The following is an entry in ClinVar:

NM_001386140.1(MTTP):c.502-2A>G

Gene: MTTP (microsomal triglyceride transfer protein; plus strand). Cytogenetic location: 4q23.
Variant type: single nucleotide variant.
Coding change: c.502-2A>G on transcript NM_001386140.1 (MANE Select); the canonical splice acceptor site of the intron before coding-DNA position 502, A replaced by G.
Molecular consequence: splice acceptor variant.
Genome position (GRCh38, 1-based): chr4:99,591,233, A>G. VCF-style: chr4-99591233-A-G. GRCh37 (hg19) VCF-style: chr4-100512390-A-G.
Other names: c.502-2A>G (NM_000253.4); c.253-2A>G (NM_001300785.2).
Identifiers: ClinVar variation 1028159 (VCV001028159.6), dbSNP rs1725410386, ClinGen allele CA357504315.

ClinVar aggregate classification (germline): Likely pathogenic. Review status: criteria provided, multiple submitters, no conflicts (2 of 4 stars). 2 submissions from 2 submitters: Likely pathogenic (2). Last evaluated 2022-09-15.

Conditions:
Abetalipoproteinaemia (ABL). Also called: Abetalipoproteinemia; Abetalipoproteinemia neuropathy; Apolipoprotein B deficiency; Congenital betalipoprotein deficiency syndrome; MTP DEFICIENCY. Identifiers: Orphanet 14, MedGen C0000744, MONDO:0008692, OMIM 200100, HP:0008181.

Submissions (2):

Labcorp Genetics (formerly Invitae), Labcorp
Classification: Likely pathogenic. Last evaluated: 2022-09-15. Review status: criteria provided, single submitter. Criteria: Invitae Variant Classification Sherloc (09022015). Collection method: clinical testing. Allele origin: germline.
Comment: This sequence change affects an acceptor splice site in intron 5 of the MTTP gene. It is expected to disrupt RNA splicing. Variants that disrupt the donor or acceptor splice site typically lead to a loss of protein function (PMID: 16199547), and loss-of-function variants in MTTP are known to be pathogenic (PMID: 8533758, 9671739). This variant is not present in population databases (gnomAD no frequency). This variant has not been reported in the literature in individuals affected with MTTP-related conditions. ClinVar contains an entry for this variant (Variation ID: 1028159). Algorithms developed to predict the effect of sequence changes on RNA splicing suggest that this variant may disrupt the consensus splice site. In summary, the currently available evidence indicates that the variant is pathogenic, but additional data are needed to prove that conclusively. Therefore, this variant has been classified as Likely Pathogenic.

Baylor Genetics
Classification: Likely pathogenic for Abetalipoproteinaemia. Last evaluated: 2020-02-06. Review status: criteria provided, single submitter. Criteria: ACMG Guidelines, 2015. Collection method: clinical testing. Allele origin: unknown. Affected: yes.
Comment: This variant was determined to be likely pathogenic according to ACMG Guidelines, 2015 [PMID:25741868].

Literature cited by the submitters: PubMed 16199547 (cited by Labcorp Genetics (formerly Invitae), Labcorp); PubMed 8533758 (cited by Labcorp Genetics (formerly Invitae), Labcorp); PubMed 9671739 (cited by Labcorp Genetics (formerly Invitae), Labcorp).